The following is an entry in ClinVar:

ClinVar aggregate classification (germline): Likely benign (1 of 4 stars; one submission).

Allele frequency attached by ClinVar (database versions not stated): gnomAD 0.00005; TOPMed 0.00006; gnomAD exomes 0.00009; ESP Exome Variant Server 0.00015; ExAC 0.00016; 1000 Genomes Project 0.00020; 1000 Genomes Project 30x 0.00031.
gnomAD v4.1: 150 of 1,611,182 alleles (0.0093%); highest among the groups gnomAD compares: Middle Eastern, 0.74%; 1 homozygote.

Submission:

CeGaT Center for Human Genetics Tuebingen
Classification: Likely benign. Last evaluated: 2023-03-01. Review status: criteria provided, single submitter. Criteria: CeGaT Center For Human Genetics Tuebingen Variant Classification Criteria Version 2. Collection method: clinical testing. Allele origin: germline. Affected: yes. Observed: 1 variant allele.
Comment: CLVS2: BP4, BP7

NM_001010852.4(CLVS2):c.579G>A (p.Ala193=)

Gene: CLVS2 (clavesin 2; plus strand). Cytogenetic location: 6q22.31.
Variant type: single nucleotide variant.
Coding change: c.579G>A on transcript NM_001010852.4 (MANE Select); coding-DNA position 579, G replaced by A.
Protein change: p.Ala193=; no amino-acid change (alanine 193 retained).
Molecular consequence: synonymous variant.
Genome position (GRCh38, 1-based): chr6:123,048,636, G>A. VCF-style: chr6-123048636-G-A. GRCh37 (hg19) VCF-style: chr6-123369781-G-A.
Identifiers: ClinVar variation 2656896 (VCV002656896.24), dbSNP rs369441088, ClinGen allele CA3983444.